The following is an entry in ClinVar:

ClinVar aggregate classification (germline): Uncertain significance (1 of 4 stars; one submission).

Conditions:
Developmental and epileptic encephalopathy 94 (DEE94). Also called: Epileptic encephalopathy, childhood-onset; CHD2-Related Neurodevelopmental Disorders. Identifiers: Orphanet 1942, Orphanet 2382, MedGen C3809278, MONDO:0014150, OMIM 615369.

gnomAD v4.1: 17 of 1,613,760 alleles (0.0011%); highest among the groups gnomAD compares: Non-Finnish European, 0.0014%; no homozygotes.

Submission:

Victorian Clinical Genetics Services, Murdoch Childrens Research Institute
Classification: Uncertain significance for Developmental and epileptic encephalopathy 94. Last evaluated: 2023-07-17. Review status: criteria provided, single submitter. Criteria: ACMG Guidelines, 2015. Collection method: clinical testing. Allele origin: germline. Inheritance: Autosomal dominant inheritance. Affected: yes.
Comment: Based on the classification scheme VCGS_Germline_v1.3.4, this variant is classified as VUS-3C. Following criteria are met: 0102 - Loss of function is a known mechanism of disease in this gene and is associated with developmental and epileptic encephalopathy 94 (MIM#615369. (I) 0107 - This gene is associated with autosomal dominant disease. (I) 0200 - Variant is predicted to result in a missense amino acid change from glutamine to histidine. (I) 0251 - This variant is heterozygous. (I) 0301 - Variant is absent from gnomAD (both v2 and v3). (SP) 0309 - An alternative amino acid change at the same position has been observed in gnomAD (v2) (1 heterozygote, 0 homozygotes). (I) 0504 - Same amino acid change has been observed in placental mammals. (SB) 0604 - Variant is not located in an established domain, motif, hotspot or informative constraint region. (I) 0705 - No comparable missense variants have previous evidence for pathogenicity. (I) 0807 - This variant has no previous evidence of pathogenicity. (I) 0905 - No published segregation evidence has been identified for this variant. (I) 1007 - No published functional evidence has been identified for this variant. (I) 1208 - Inheritance information for this variant is not currently available in this individual. (I) Legend: (SP) - Supporting pathogenic, (I) - Information, (SB) - Supporting benign

NM_001271.4(CHD2):c.516A>C (p.Gln172His)

Gene: CHD2 (chromodomain helicase DNA binding protein 2; plus strand). Cytogenetic location: 15q26.1.
Variant type: single nucleotide variant.
Coding change: c.516A>C on transcript NM_001271.4 (MANE Select); coding-DNA position 516, A replaced by C.
Protein change: p.Gln172His; replaces glutamine 172 with histidine.
Molecular consequence: missense variant.
Genome position (GRCh38, 1-based): chr15:92,937,590, A>C. VCF-style: chr15-92937590-A-C. GRCh37 (hg19) VCF-style: chr15-93480820-A-C.
Other names: c.516A>C, p.Gln172His (NM_001042572.3); short protein forms Q172H.
Identifiers: ClinVar variation 3254728 (VCV003254728.1), dbSNP rs770631510.